The following is an entry in ClinVar:

ClinVar aggregate classification (germline): Uncertain significance. Review status: criteria provided, multiple submitters, no conflicts (2 of 4 stars). 4 submissions from 4 submitters: Uncertain significance (4). Last evaluated 2026-09-14.

Conditions:
Wilms tumor 1 (WT1). Also called: Wilms tumor, somatic. Identifiers: Orphanet 654, MedGen CN033288, MONDO:0008679, OMIM 194070.
11p partial monosomy syndrome (WAGR). Also called: WAGR syndrome; WAGR Spectrum Disorder; WAGR Complex; CHROMOSOME 11p13 DELETION SYNDROME. Identifiers: Orphanet 893, MedGen C0206115, MONDO:0008681, OMIM 194072.
Drash syndrome (DDS). Also called: NEPHROPATHY, WILMS TUMOR, AND GENITAL ANOMALIES; WILMS TUMOR AND PSEUDO- OR TRUE HERMAPHRODITISM. Identifiers: Orphanet 220, MedGen C0950121, MONDO:0008682, OMIM 194080.
Frasier syndrome. Identifiers: Orphanet 347, MedGen C0950122, MeSH D052159, MONDO:0007635, OMIM 136680.
Inborn genetic diseases. Identifiers: MedGen C0950123, MeSH D030342.
Nephrotic syndrome, type 4 (NPHS4). Also called: Familial mesangial sclerosis; Nephrotic syndrome, early onset with diffuse mesangial sclerosis. Identifiers: Orphanet 656, MedGen C3151568, MONDO:0009733, OMIM 256370.
Mesothelioma, malignant (MESOM). Also called: Malignant mesothelioma (disease). Identifiers: Orphanet 50251, MedGen C0345967, MONDO:0006292, OMIM 156240, HP:0100001.
Meacham syndrome. Also called: Meacham Winn Culler syndrome. Identifiers: Orphanet 3097, MedGen C1837026, MONDO:0012164, OMIM 608978.

Submissions (4):

Ambry Genetics
Classification: Uncertain significance for Inborn genetic diseases. Last evaluated: 2026-09-14. Review status: criteria provided, single submitter. Criteria: Ambry Variant Classification Scheme 2023. Collection method: clinical testing. Allele origin: germline.
Comment: The p.L43S variant (also known as c.128T>C), located in coding exon 1 of the WT1 gene, results from a T to C substitution at nucleotide position 128. The leucine at codon 43 is replaced by serine, an amino acid with dissimilar properties. This amino acid position is conserved. In addition, this alteration is predicted to be tolerated by in silico analysis. Based on the available evidence, the clinical significance of this variant remains unclear.

Fulgent Genetics
Classification: Uncertain significance for Frasier syndrome; Mesothelioma, malignant; Wilms tumor 1; Drash syndrome; Nephrotic syndrome, type 4; Meacham syndrome. Last evaluated: 2024-06-14. Review status: criteria provided, single submitter. Criteria: ACMG Guidelines, 2015. Collection method: clinical testing. Allele origin: germline.

All of Us Research Program, National Institutes of Health
Classification: Uncertain significance for Wilms tumor 1. Last evaluated: 2023-06-26. Review status: criteria provided, single submitter. Criteria: ACMG Guidelines, 2015. Collection method: clinical testing. Allele origin: germline. Inheritance: Autosomal dominant inheritance. Observed: 2 variant alleles, 2 heterozygotes.
Comment: This missense variant replaces leucine with serine at codon 43 of the WT1 protein. Computational prediction suggests that this variant may not impact protein structure and function (internally defined REVEL score threshold <= 0.5, PMID: 27666373). To our knowledge, functional studies have not been reported for this variant. This variant has not been reported in individuals affected with WT1-related disorders in the literature. This variant has not been identified in the general population by the Genome Aggregation Database (gnomAD). The available evidence is insufficient to determine the role of this variant in disease conclusively. Therefore, this variant is classified as a Variant of Uncertain Significance.

This study involves interpretation of variants in research participants for the purpose of population health screening. Participant phenotype was not available at the time of variant classification. Additional details can be found in publication PMID: 35346344, PMCID: PMC8962531

Labcorp Genetics (formerly Invitae), Labcorp
Classification: Uncertain significance for Wilms tumor 1; Drash syndrome; 11p partial monosomy syndrome; Frasier syndrome. Last evaluated: 2022-10-25. Review status: criteria provided, single submitter. Criteria: Invitae Variant Classification Sherloc (09022015). Collection method: clinical testing. Allele origin: germline.
Comment: In summary, the available evidence is currently insufficient to determine the role of this variant in disease. Therefore, it has been classified as a Variant of Uncertain Significance. Algorithms developed to predict the effect of missense changes on protein structure and function are either unavailable or do not agree on the potential impact of this missense change (SIFT: "Deleterious"; PolyPhen-2: "Benign"; Align-GVGD: "Class C0"). ClinVar contains an entry for this variant (Variation ID: 571850). This variant has not been reported in the literature in individuals affected with WT1-related conditions. This variant is not present in population databases (gnomAD no frequency). This sequence change replaces leucine, which is neutral and non-polar, with serine, which is neutral and polar, at codon 43 of the WT1 protein (p.Leu43Ser).

NM_024426.6(WT1):c.143T>C (p.Leu48Ser)

Genes: WT1 (WT1 transcription factor; minus strand), LOC107982234 (WT1/WT1-AS bi-directional promoter region; plus strand). Cytogenetic location: 11p13.
Variant type: single nucleotide variant.
Coding change: c.143T>C on transcript NM_024426.6 (MANE Select); coding-DNA position 143, T replaced by C.
Protein change: p.Leu48Ser; replaces leucine 48 with serine.
Molecular consequence: missense variant. On other transcripts: non-coding transcript variant (1).
Genome position (GRCh38, 1-based): chr11:32,435,218, A>G on the plus strand (T>C on the coding strand, the complement: WT1 is on the minus strand). VCF-style: chr11-32435218-A-G. GRCh37 (hg19) VCF-style: chr11-32456764-A-G.
Other names: c.143T>C, p.Leu48Ser (NM_000378.6, NM_024424.5); short protein forms L48S.
Identifiers: ClinVar variation 571850 (VCV000571850.12), dbSNP rs1565002394, ClinGen allele CA379966294.